The following is an entry in ClinVar:

NM_057175.5(NAA15):c.1753+1G>T

Gene: NAA15 (N-alpha-acetyltransferase 15, NatA auxiliary subunit; plus strand). Cytogenetic location: 4q31.1.
Variant type: single nucleotide variant.
Coding change: c.1753+1G>T on transcript NM_057175.5 (MANE Select); the canonical splice donor site of the intron after coding-DNA position 1753, G replaced by T.
Molecular consequence: splice donor variant.
Genome position (GRCh38, 1-based): chr4:139,361,938, G>T. VCF-style: chr4-139361938-G-T. GRCh37 (hg19) VCF-style: chr4-140283092-G-T.
Other names: c.1753+1G>T (NM_001410842.1).
Identifiers: ClinVar variation 3341040 (VCV003341040.1).

ClinVar aggregate classification (germline): Pathogenic/Likely pathogenic. Review status: criteria provided, multiple submitters, no conflicts (2 of 4 stars). 2 submissions from 2 submitters: Pathogenic (1); Likely pathogenic (1). Last evaluated 2025-07-18.

Conditions:
Intellectual developmental disorder, autosomal dominant 50, with behavioral abnormalities. Also called: Intellectual disability, autosomal dominant 50; MENTAL RETARDATION, AUTOSOMAL DOMINANT 50. Identifiers: MedGen C4540470, MONDO:0030916, OMIM 617787.

Submissions (2):

Variantyx, Inc.
Classification: Likely pathogenic for Intellectual developmental disorder, autosomal dominant 50, with behavioral abnormalities. Last evaluated: 2025-07-18. Review status: criteria provided, single submitter. Criteria: Variantyx Assertion Criteria 2022. Collection method: clinical testing. Allele origin: germline. Inheritance: Autosomal dominant inheritance. Affected: yes.
Comment: This is a canonical splicing variant in the NAA15 gene (OMIM: 608000). Pathogenic variants in this gene have been associated with autosomal dominant intellectual developmental disorder 50 with behavioral abnormalities. This splicing variant is expected to result in loss of function, which is a known disease mechanism for NAA15 in this disorder (PMID: 33103328, 28303347, 38712024, 39012200) (PVS1). This variant is absent from control populations (PM2). Based on the current evidence, this variant is classified as likely pathogenic for autosomal dominant intellectual developmental disorder 50 with behavioral abnormalities.

GeneDx
Classification: Pathogenic. Last evaluated: 2023-12-24. Review status: criteria provided, single submitter. Criteria: GeneDx Variant Classification Process June 2021. Collection method: clinical testing. Allele origin: germline. Affected: yes.
Comment: Canonical splice site variant predicted to result in a null allele in a gene for which loss of function is a known mechanism of disease; Not observed at significant frequency in large population cohorts (gnomAD); Has not been previously published as pathogenic or benign to our knowledge

Literature cited by the submitters: PubMed 33103328 (cited by Variantyx, Inc.); PubMed 28303347 (cited by Variantyx, Inc.); PubMed 38712024 (cited by Variantyx, Inc.); PubMed 39012200 (cited by Variantyx, Inc.).